The following is an entry in ClinVar:

ClinVar aggregate classification (germline): Uncertain significance (1 of 4 stars; one submission).

Conditions:
Hereditary sensory and autonomic neuropathy type 6. Also called: Neuropathy, hereditary sensory and autonomic, type VI; HSAN VI. Identifiers: Orphanet 314381, MedGen C3539003, MONDO:0013839, OMIM 614653.
Epidermolysis bullosa simplex 3, localized or generalized intermediate, with BP230 deficiency (EBS3). Also called: Epidermolysis bullosa simplex, autosomal recessive 2; Epidermolysis bullosa simplex due to BP230 deficiency. Identifiers: Orphanet 412181, MedGen C3809470, MONDO:0014180, OMIM 615425.

Submission:

Labcorp Genetics (formerly Invitae), Labcorp
Classification: Uncertain significance for Epidermolysis bullosa simplex 3, localized or generalized intermediate, with BP230 deficiency; Hereditary sensory and autonomic neuropathy type 6. Last evaluated: 2020-10-25. Review status: criteria provided, single submitter. Criteria: Invitae Variant Classification Sherloc (09022015). Collection method: clinical testing. Allele origin: germline.
Comment: This sequence change replaces alanine with threonine at codon 3048 of the DST protein (p.Ala3048Thr). The DST gene has multiple clinically relevant transcripts. This variant occurs in alternate transcript NM_015548.4, and corresponds to NM_001723.5:c.*83076G>A in the primary transcript. In summary, the available evidence is currently insufficient to determine the role of this variant in disease. Therefore, it has been classified as a Variant of Uncertain Significance. Experimental studies and prediction algorithms are not available or were not evaluated, and the functional significance of this variant is currently unknown. This variant has not been reported in the literature in individuals with DST-related conditions. This variant is not present in population databases (ExAC no frequency).

NM_001374736.1(DST):c.17011G>A (p.Ala5671Thr)

Gene: DST (dystonin; minus strand). Cytogenetic location: 6p12.1.
Variant type: single nucleotide variant.
Coding change: c.17011G>A on transcript NM_001374736.1 (MANE Select); coding-DNA position 17011, G replaced by A.
Protein change: p.Ala5671Thr; replaces alanine 5671 with threonine.
Molecular consequence: missense variant.
Genome position (GRCh38, 1-based): chr6:56,532,441, C>T on the plus strand (G>A on the coding strand, the complement: DST is on the minus strand). VCF-style: chr6-56532441-C-T. GRCh37 (hg19) VCF-style: chr6-56397239-C-T.
Other names: c.10654G>A, p.Ala3552Thr (NM_001144769.5); c.10240G>A, p.Ala3414Thr (NM_001144770.2); c.17011G>A, p.Ala5671Thr (NM_001374722.1); c.16378G>A, p.Ala5460Thr (NM_001374729.1); c.10120G>A, p.Ala3374Thr (NM_001374730.1, NM_001386100.1, NM_183380.4); c.17038G>A, p.Ala5680Thr (NM_001374734.1); c.9142G>A, p.Ala3048Thr (NM_015548.5); short protein forms A3048T, A3414T, A3552T, A5460T, A5680T, A3374T, A5671T.
Identifiers: ClinVar variation 1045656 (VCV001045656.7), dbSNP rs1584257296, ClinGen allele CA364510065.